The following is an entry in ClinVar:

NM_002691.4(POLD1):c.952G>C (p.Glu318Gln)

Gene: POLD1 (DNA polymerase delta 1, catalytic subunit; plus strand). Cytogenetic location: 19q13.33.
Variant type: single nucleotide variant.
Coding change: c.952G>C on transcript NM_002691.4 (MANE Select); coding-DNA position 952, G replaced by C.
Protein change: p.Glu318Gln; replaces glutamic acid 318 with glutamine.
Molecular consequence: missense variant. On other transcripts: non-coding transcript variant (1).
Genome position (GRCh38, 1-based): chr19:50,402,723, G>C. VCF-style: chr19-50402723-G-C. GRCh37 (hg19) VCF-style: chr19-50905980-G-C.
Other names: c.952G>C, p.Glu318Gln (NM_001256849.1, NM_001308632.1); c.952G>C (NM_002691.2); short protein forms E318Q.
Identifiers: ClinVar variation 1008990 (VCV001008990.10), dbSNP rs775232133, ClinGen allele CA406977374.
Genomic context (GRCh38, chr19:50,402,723, plus strand): 5'-CACCCACCGGAAGGGCCATGGCAGCGCATTGCGCCCTTGCGCGTGCTCAGCTTCGATATC[G>C]AGTGCGCCGGCCGCAAAGGTCTGTCCCCGGGCCCGGGCTCCTGCCCGCCTCATTGATGTG-3'
Protein context (NP_002682.2, residues 308-328): APLRVLSFDI[Glu318Gln]CAGRKGIFPE

ClinVar aggregate classification (germline): Uncertain significance. Review status: criteria provided, multiple submitters, no conflicts (2 of 4 stars). 2 submissions from 2 submitters: Uncertain significance (2). Last evaluated 2022-11-18.

Conditions:
Hereditary cancer-predisposing syndrome. Also called: Tumor predisposition; Hereditary Cancer Syndrome; Hereditary neoplastic syndrome; Neoplastic Syndromes, Hereditary. Identifiers: Orphanet 140162, MedGen C0027672, MeSH D009386, MONDO:0015356.
POLD1-related polyposis and colorectal cancer syndrome (CRCS10). Also called: Colorectal cancer 10; COLORECTAL CANCER, SUSCEPTIBILITY TO, ON CHROMOSOME 19q; Colorectal cancer, susceptibility to, 10. Identifiers: Orphanet 220460, MedGen C2675481, MONDO:0012953, OMIM 612591.

Submissions (2):

Ambry Genetics
Classification: Uncertain significance for Hereditary cancer-predisposing syndrome. Last evaluated: 2022-11-18. Review status: criteria provided, single submitter. Criteria: Ambry Variant Classification Scheme 2023. Collection method: clinical testing. Allele origin: germline.
Comment: The p.E318Q variant (also known as c.952G>C), located in coding exon 7 of the POLD1 gene, results from a G to C substitution at nucleotide position 952. The glutamic acid at codon 318 is replaced by glutamine, an amino acid with highly similar properties. This amino acid position is highly conserved in available vertebrate species. In addition, this alteration is predicted to be deleterious by in silico analysis. Since supporting evidence is limited at this time, the clinical significance of this alteration remains unclear.

Labcorp Genetics (formerly Invitae), Labcorp
Classification: Uncertain significance for POLD1-related polyposis and colorectal cancer syndrome. Last evaluated: 2020-03-03. Review status: criteria provided, single submitter. Criteria: Invitae Variant Classification Sherloc (09022015). Collection method: clinical testing. Allele origin: germline.
Comment: In summary, the available evidence is currently insufficient to determine the role of this variant in disease. Therefore, it has been classified as a Variant of Uncertain Significance. This sequence change replaces glutamic acid with glutamine at codon 318 of the POLD1 protein (p.Glu318Gln). The glutamic acid residue is highly conserved and there is a small physicochemical difference between glutamic acid and glutamine. This variant is not present in population databases (ExAC no frequency). This variant has not been reported in the literature in individuals with POLD1-related conditions. Algorithms developed to predict the effect of missense changes on protein structure and function are either unavailable or do not agree on the potential impact of this missense change (SIFT: "Deleterious"; PolyPhen-2: "Probably Damaging"; Align-GVGD: "Class C0").